The following is an entry in ClinVar:

ClinVar aggregate classification (germline): Uncertain significance (1 of 4 stars; one submission).

Conditions:
NOTCH2-related disorder. Also called: NOTCH2-related condition.

gnomAD v4.1: 4 of 1,614,200 alleles (0.00025%); highest among the groups gnomAD compares: Non-Finnish European, 0.00034%; no homozygotes.

Submission:

PreventionGenetics, part of Exact Sciences
Classification: Uncertain significance for NOTCH2-related condition. Last evaluated: 2026-05-21. Review status: criteria provided, single submitter. Criteria: ACMG Guidelines, 2015. Collection method: clinical testing. Allele origin: germline.
Comment: The NOTCH2 c.5363C>T variant is predicted to result in the amino acid substitution p.Pro1788Leu. To our knowledge, this variant has not been reported in the literature or in a large population database (gnomAD), indicating this variant is rare. At this time, the clinical significance of this variant is uncertain due to the absence of conclusive functional and genetic evidence.

NM_024408.4(NOTCH2):c.5363C>T (p.Pro1788Leu)

Gene: NOTCH2 (notch receptor 2; minus strand). Cytogenetic location: 1p12.
Variant type: single nucleotide variant.
Coding change: c.5363C>T on transcript NM_024408.4 (MANE Select); coding-DNA position 5363, C replaced by T.
Protein change: p.Pro1788Leu; replaces proline 1788 with leucine.
Molecular consequence: missense variant.
Genome position (GRCh38, 1-based): chr1:119,920,345, G>A on the plus strand (C>T on the coding strand, the complement: NOTCH2 is on the minus strand). VCF-style: chr1-119920345-G-A. GRCh37 (hg19) VCF-style: chr1-120462968-G-A.
Other names: short protein forms P1788L.
Identifiers: ClinVar variation 4992996 (VCV004992996.1).